The following is an entry in ClinVar:

ClinVar aggregate classification (germline): Uncertain significance. Review status: criteria provided, multiple submitters, no conflicts (2 of 4 stars). 4 submissions from 4 submitters: Uncertain significance (3). 1 of the submissions does not count toward it. Last evaluated 2024-06-09.

Conditions:
Familial long QT syndrome (RWS). Also called: Congenital long QT syndrome; Romano-Ward syndrome; VENTRICULAR FIBRILLATION WITH PROLONGED QT INTERVAL. Identifiers: Orphanet 768, MedGen C1141890, MONDO:0019171.
Long QT syndrome (LQTS). Identifiers: MedGen C0023976, MeSH D008133, MONDO:0002442. Disease mechanism: loss of function. Inheritance: Various modes of inheritance.

Allele frequency attached by ClinVar (database versions not stated): gnomAD 0.00001; gnomAD exomes below 0.00001; TOPMed 0.00001.

Submissions (4):

All of Us Research Program, National Institutes of Health
Classification: Uncertain significance for Long QT syndrome. Last evaluated: 2024-06-09. Review status: criteria provided, single submitter. Criteria: ACMG Guidelines, 2015. Collection method: clinical testing. Allele origin: germline. Inheritance: Autosomal dominant inheritance. Observed: 2 variant alleles, 2 heterozygotes.
Comment: This missense variant replaces arginine with glutamine at codon 62 of the KCNH2 protein. Computational prediction is inconclusive regarding the impact of this variant on protein structure and function (internally defined REVEL score threshold 0.5 < inconclusive < 0.7, PMID: 27666373). To our knowledge, functional studies have not been reported for this variant. This variant has been reported in at least 2 individuals with suspected long QT syndrome (PMID: 18752142, 29881912). This variant has been identified in 1/235930 chromosomes in the general population by the Genome Aggregation Database (gnomAD). The available evidence is insufficient to determine the role of this variant in disease conclusively. Therefore, this variant is classified as a Variant of Uncertain Significance.

This study involves interpretation of variants in research participants for the purpose of population health screening. Participant phenotype was not available at the time of variant classification. Additional details can be found in publication PMID: 35346344, PMCID: PMC8962531

Labcorp Genetics (formerly Invitae), Labcorp
Classification: Uncertain significance for Long QT syndrome. Last evaluated: 2022-09-27. Review status: criteria provided, single submitter. Criteria: Invitae Variant Classification Sherloc (09022015). Collection method: clinical testing. Allele origin: germline.
Comment: Algorithms developed to predict the effect of missense changes on protein structure and function (SIFT, PolyPhen-2, Align-GVGD) all suggest that this variant is likely to be tolerated. In summary, the available evidence is currently insufficient to determine the role of this variant in disease. Therefore, it has been classified as a Variant of Uncertain Significance. Experimental studies have shown that this missense change affects KCNH2 function (PMID: 29881912). ClinVar contains an entry for this variant (Variation ID: 67298). This missense change has been observed in individual(s) with clinical features of KCNH2-related conditions (PMID: 18752142, 29881912). This variant is present in population databases (rs199473664, gnomAD 0.001%). This sequence change replaces arginine, which is basic and polar, with glutamine, which is neutral and polar, at codon 62 of the KCNH2 protein (p.Arg62Gln).

Blueprint Genetics
Classification: Uncertain significance. Last evaluated: 2018-06-14. Review status: criteria provided, single submitter. Criteria: ACMG Guidelines, 2015. Collection method: clinical testing. Allele origin: germline.

Cardiovascular Biomedical Research Unit, Royal Brompton & Harefield NHS Foundation Trust
No classification provided. Condition: Familial long QT syndrome. Review status: no classification provided. Collection method: literature only. Allele origin: germline. Not counted in ClinVar's aggregate classification.
Comment: This variant has been reported as associated with Long QT syndrome in the following publications (PMID:18752142). This is a literature report, and does not necessarily reflect the clinical interpretation of the Imperial College / Royal Brompton Cardiovascular Genetics laboratory.

Literature cited by the submitters: PubMed 18752142 (cited by 3 submitters); PubMed 29881912 (cited by All of Us Research Program, National Institutes of Health and Labcorp Genetics (formerly Invitae), Labcorp); PubMed 22581653 (cited by Cardiovascular Biomedical Research Unit, Royal Brompton & Harefield NHS Foundation Trust).

NM_000238.4(KCNH2):c.185G>A (p.Arg62Gln)

Gene: KCNH2 (potassium voltage-gated channel subfamily H member 2; minus strand). Cytogenetic location: 7q36.1.
Variant type: single nucleotide variant.
Coding change: c.185G>A on transcript NM_000238.4 (MANE Select); coding-DNA position 185, G replaced by A.
Protein change: p.Arg62Gln; replaces arginine 62 with glutamine.
Molecular consequence: missense variant.
Genome position (GRCh38, 1-based): chr7:150,974,833, C>T on the plus strand (G>A on the coding strand, the complement: KCNH2 is on the minus strand). VCF-style: chr7-150974833-C-T. GRCh37 (hg19) VCF-style: chr7-150671921-C-T.
Other names: c.185G>A (LRG_288t1); c.8G>A, p.Arg3Gln (NM_001406755.1); c.185G>A, p.Arg62Gln (NM_172056.3); short protein forms R62Q, R3Q.
Identifiers: ClinVar variation 67298 (VCV000067298.12), dbSNP rs199473664, ClinGen allele CA005697.